The following is an entry in ClinVar:

ClinVar aggregate classification (germline): Pathogenic. Review status: criteria provided, multiple submitters, no conflicts (2 of 4 stars). 6 submissions from 6 submitters: Pathogenic (5). 1 of the submissions does not count toward it. Last evaluated 2024-10-25.

Conditions:
SPART-related disorder. Also called: SPART-related condition.
SPG20-related disorders.
Troyer syndrome (SPG20). Identifiers: Orphanet 101000, MedGen C0393559, MONDO:0010156, OMIM 275900.

Submissions (6):

PreventionGenetics, part of Exact Sciences
Classification: Pathogenic for SPART-related condition. Last evaluated: 2024-10-25. Review status: criteria provided, single submitter. Criteria: ACMG Guidelines, 2015. Collection method: clinical testing. Allele origin: germline.
Comment: The SPART c.1110delA variant is predicted to result in a frameshift and premature protein termination (p.Lys370Asnfs*30). This variant has been reported in the homozygous state in many individuals with Troyer syndrome from the Old Order Amish population (Patel et al. 2002. PubMed ID: 12134148; Bakowska et al. 2008. PubMed ID: 18413476). This variant is reported in 0.0015% of alleles in individuals of European (Non-Finnish) descent in gnomAD. Frameshift variants in SPART are expected to be pathogenic. This variant is interpreted as pathogenic.

Labcorp Genetics (formerly Invitae), Labcorp
Classification: Pathogenic. Last evaluated: 2023-07-08. Review status: criteria provided, single submitter. Criteria: Invitae Variant Classification Sherloc (09022015). Collection method: clinical testing. Allele origin: germline.
Comment: For these reasons, this variant has been classified as Pathogenic. ClinVar contains an entry for this variant (Variation ID: 3457). This premature translational stop signal has been observed in individuals with Troyer syndrome (PMID: 12134148, 18413476). It has also been observed to segregate with disease in related individuals. This variant is present in population databases (no rsID available, gnomAD 0.002%). This sequence change creates a premature translational stop signal (p.Lys370Asnfs*30) in the SPART gene. It is expected to result in an absent or disrupted protein product. Loss-of-function variants in SPART are known to be pathogenic (PMID: 18413476, 20437587, 20504295).

Revvity Omics, Revvity
Classification: Pathogenic for Troyer syndrome. Last evaluated: 2023-03-22. Review status: criteria provided, single submitter. Criteria: ACMG Guidelines, 2015. Collection method: clinical testing. Allele origin: germline.

Blueprint Genetics
Classification: Pathogenic for SPG20-related disorders. Last evaluated: 2022-07-06. Review status: criteria provided, single submitter. Criteria: ACMG Guidelines, 2015. Collection method: clinical testing. Allele origin: germline. Affected: yes. Observed: 3 variant alleles.

GeneDx
Classification: Pathogenic. Last evaluated: 2018-08-21. Review status: criteria provided, single submitter. Criteria: GeneDx Variant Classification (06012015). Collection method: clinical testing. Allele origin: germline. Affected: yes.
Comment: The c.1110delA variant in the SPG20 gene has been reported previously in the homozygous state in association with Troyer syndrome (Patel et al., 2002; Bakowska et al., 2008). The c.1110delA variant is considered a founder mutation in the Old Order Amish population (Patel et al., 2002). The c.1110delA pathogenic variant causes a frameshift starting with codon Lysine 370, changes this amino acid to an Asparagine residue and creates a premature Stop codon at position 30 of the new reading frame, denoted p.Lys370AsnfsX30. This variant is predicted to cause loss of normal protein function either through protein truncation or nonsense-mediated mRNA decay. Furthermore, the c.1110delA variant is not observed at a significant frequency in large population cohorts (Lek et al., 2016). We interpret c.1110delA as a pathogenic variant.

OMIM
Classification: Pathogenic for SPASTIC PARAPLEGIA 20, AUTOSOMAL RECESSIVE. Last evaluated: 2008-04-01. Review status: no assertion criteria provided. Collection method: literature only. Allele origin: germline. Not counted in ClinVar's aggregate classification.

Literature cited by the submitters: PubMed 12134148 (cited by Labcorp Genetics (formerly Invitae), Labcorp and OMIM); PubMed 18413476 (cited by Labcorp Genetics (formerly Invitae), Labcorp and OMIM); PubMed 20437587 (cited by Labcorp Genetics (formerly Invitae), Labcorp); PubMed 20504295 (cited by Labcorp Genetics (formerly Invitae), Labcorp).

NM_015087.5(SPART):c.1110del (p.Lys370fs)

Gene: SPART (spartin; minus strand). Cytogenetic location: 13q13.3.
Variant type: Deletion.
Coding change: c.1110del on transcript NM_015087.5 (MANE Select); coding-DNA position 1110, one base deleted (A; older notation c.1110delA).
Protein change: p.Lys370fs; shifts the reading frame from lysine 370.
Molecular consequence: frameshift variant.
Genome position (GRCh38, 1-based): chr13:36,329,416, T deleted on the plus strand (A on the coding strand, the reverse complement: SPART is on the minus strand); the first of 3 consecutive T bases (chr13:36,329,416-36,329,418); deleting any one gives the same sequence. VCF-style (leftmost placement, unchanged base first): chr13-36329415-GT-G. GRCh37 (hg19) VCF-style: chr13-36903552-GT-G.
Other names: SPART, 1-BP DEL, 1110A; c.1110del, p.Lys370fs (NM_001142294.2, NM_001142295.2, NM_001142296.2); c.1110del (NM_015087.4); short protein forms K370fs.
Identifiers: ClinVar variation 3457 (VCV000003457.15), dbSNP rs1060499524, ClinGen allele CA16609332.